The following is an entry in ClinVar:

NM_004336.5(BUB1):c.1327A>G (p.Asn443Asp)

Gene: BUB1 (BUB1 mitotic checkpoint serine/threonine kinase; minus strand). Cytogenetic location: 2q13.
Variant type: single nucleotide variant.
Coding change: c.1327A>G on transcript NM_004336.5 (MANE Select); coding-DNA position 1327, A replaced by G.
Protein change: p.Asn443Asp; replaces asparagine 443 with aspartic acid.
Molecular consequence: missense variant.
Genome position (GRCh38, 1-based): chr2:110,658,692, T>C on the plus strand (A>G on the coding strand, the complement: BUB1 is on the minus strand). VCF-style: chr2-110658692-T-C. GRCh37 (hg19) VCF-style: chr2-111416269-T-C.
Other names: c.1267A>G, p.Asn423Asp (NM_001278616.2); c.1327A>G, p.Asn443Asp (NM_001278617.2); short protein forms N423D, N443D.
Identifiers: ClinVar variation 1770028 (VCV001770028.2), dbSNP rs2468010466, ClinGen allele CA348212661.

ClinVar aggregate classification (germline): Uncertain significance (1 of 4 stars; one submission).

Allele frequency attached by ClinVar (database versions not stated): gnomAD exomes 0.00001.
gnomAD v4.1: 19 of 1,614,214 alleles (0.0012%); highest among the groups gnomAD compares: Non-Finnish European, 0.0016%; no homozygotes.

Submission:

Ambry Genetics
Classification: Uncertain significance. Last evaluated: 2023-12-01. Review status: criteria provided, single submitter. Criteria: Ambry Variant Classification Scheme 2023. Collection method: clinical testing. Allele origin: germline.
Comment: The p.N443D variant (also known as c.1327A>G), located in coding exon 12 of the BUB1 gene, results from an A to G substitution at nucleotide position 1327. The asparagine at codon 443 is replaced by aspartic acid, an amino acid with highly similar properties. This amino acid position is conserved. In addition, this alteration is predicted to be tolerated by in silico analysis. Since supporting evidence is limited at this time, the clinical significance of this alteration remains unclear.